The following is an entry in ClinVar:

NM_004924.6(ACTN4):c.1515C>T (p.Leu505=)

Gene: ACTN4 (actinin alpha 4; plus strand). Cytogenetic location: 19q13.2.
Variant type: single nucleotide variant.
Coding change: c.1515C>T on transcript NM_004924.6 (MANE Select); coding-DNA position 1515, C replaced by T.
Protein change: p.Leu505=; no amino-acid change (leucine 505 retained).
Molecular consequence: synonymous variant.
Genome position (GRCh38, 1-based): chr19:38,723,686, C>T. VCF-style: chr19-38723686-C-T. GRCh37 (hg19) VCF-style: chr19-39214326-C-T.
Other names: c.1515C>T, p.Leu505= (NM_001322033.2).
Identifiers: ClinVar variation 747555 (VCV000747555.14), dbSNP rs147922933, ClinGen allele CA9417690.

ClinVar aggregate classification (germline): Benign/Likely benign. Review status: criteria provided, multiple submitters, no conflicts (2 of 4 stars). 3 submissions from 3 submitters: Benign (1); Likely benign (2). Last evaluated 2026-03-01.

Conditions:
Focal segmental glomerulosclerosis 1 (FSGS1). Identifiers: Orphanet 656, MedGen C4551527, MONDO:0011303, OMIM 603278.

Allele frequency attached by ClinVar (database versions not stated): gnomAD exomes 0.00005 and 0.00013; 1000 Genomes Project 30x 0.00016; ExAC 0.00019; 1000 Genomes Project 0.00020; ESP Exome Variant Server 0.00023; gnomAD 0.00031 and 0.00034; TOPMed 0.00032.
gnomAD v4.1: 127 of 1,613,054 alleles (0.0079%); highest among the groups gnomAD compares: African/African-American, 0.11%; no homozygotes.

Submissions (3):

CeGaT Center for Human Genetics Tuebingen
Classification: Likely benign. Last evaluated: 2026-03-01. Review status: criteria provided, single submitter. Criteria: CeGaT Center For Human Genetics Tuebingen Variant Classification Criteria Version 2. Collection method: clinical testing. Allele origin: germline. Affected: yes. Observed: 1 variant allele.
Comment: ACTN4: BP4, BP7, BS1

Labcorp Genetics (formerly Invitae), Labcorp
Classification: Benign. Last evaluated: 2025-06-12. Review status: criteria provided, single submitter. Criteria: Invitae Variant Classification Sherloc (09022015). Collection method: clinical testing. Allele origin: germline.

Fulgent Genetics
Classification: Likely benign for Focal segmental glomerulosclerosis 1. Last evaluated: 2021-10-08. Review status: criteria provided, single submitter. Criteria: ACMG Guidelines, 2015. Collection method: clinical testing. Allele origin: unknown.